The following is an entry in ClinVar:

NM_002608.4(PDGFB):c.197G>T (p.Arg66Leu)

Gene: PDGFB (platelet derived growth factor subunit B; minus strand). Cytogenetic location: 22q13.1.
Variant type: single nucleotide variant.
Coding change: c.197G>T on transcript NM_002608.4 (MANE Select); coding-DNA position 197, G replaced by T.
Protein change: p.Arg66Leu; replaces arginine 66 with leucine.
Molecular consequence: missense variant.
Genome position (GRCh38, 1-based): chr22:39,233,488, C>A on the plus strand (G>T on the coding strand, the complement: PDGFB is on the minus strand). VCF-style: chr22-39233488-C-A. GRCh37 (hg19) VCF-style: chr22-39629493-C-A.
Other names: c.152G>T, p.Arg51Leu (NM_033016.3); short protein forms R51L, R66L.
Identifiers: ClinVar variation 4527777 (VCV004527777.1).

ClinVar aggregate classification (germline): Uncertain significance (1 of 4 stars; one submission).

gnomAD v4.1: 16 of 1,595,792 alleles (0.001%); highest among the groups gnomAD compares: Non-Finnish European, 0.0012%; no homozygotes.

Submission:

GeneDx
Classification: Uncertain significance. Last evaluated: 2025-05-06. Review status: criteria provided, single submitter. Criteria: GeneDx Variant Classification Process June 2021. Collection method: clinical testing. Allele origin: germline. Affected: yes.
Comment: Not observed at significant frequency in large population cohorts (gnomAD); In silico analysis supports that this missense variant has a deleterious effect on protein structure/function; Has not been previously published as pathogenic or benign to our knowledge